The following is an entry in ClinVar:

NM_138348.6(OTULIN):c.865-2A>G

Gene: OTULIN (OTU deubiquitinase with linear linkage specificity; plus strand). Cytogenetic location: 5p15.2.
Variant type: single nucleotide variant.
Coding change: c.865-2A>G on transcript NM_138348.6 (MANE Select); the canonical splice acceptor site of the intron before coding-DNA position 865, A replaced by G.
Molecular consequence: splice acceptor variant.
Genome position (GRCh38, 1-based): chr5:14,692,852, A>G. VCF-style: chr5-14692852-A-G. GRCh37 (hg19) VCF-style: chr5-14692961-A-G.
Identifiers: ClinVar variation 4886675 (VCV004886675.2).

ClinVar aggregate classification (germline): Likely pathogenic (1 of 4 stars; one submission).

Submission:

Dasa
Classification: Likely pathogenic. Last evaluated: 2026-04-17. Review status: criteria provided, single submitter. Criteria: DASA Assertion Criteria. Collection method: clinical testing. Allele origin: germline.
Comment: NM_138348.6(OTULIN):c.865-2A>G affects a canonical splice site and is predicted to disrupt normal RNA splicing. This variant is rare in population databases. Based on the currently available evidence, this variant is classified as likely pathogenic.